The following is an entry in ClinVar:

NM_001244008.2(KIF1A):c.408C>G (p.Asp136Glu)

Gene: KIF1A (kinesin family member 1A; minus strand). Cytogenetic location: 2q37.3.
Variant type: single nucleotide variant.
Coding change: c.408C>G on transcript NM_001244008.2 (MANE Select); coding-DNA position 408, C replaced by G.
Protein change: p.Asp136Glu; replaces aspartic acid 136 with glutamic acid.
Molecular consequence: missense variant.
Genome position (GRCh38, 1-based): chr2:240,787,272, G>C on the plus strand (C>G on the coding strand, the complement: KIF1A is on the minus strand). VCF-style: chr2-240787272-G-C. GRCh37 (hg19) VCF-style: chr2-241726689-G-C.
Other names: c.408C>G, p.Asp136Glu (NM_001320705.2, NM_001330289.2, NM_001330290.2 and 20 more transcripts); c.408C>G (NM_001244008.1, NM_004321.6); short protein forms D136E.
Identifiers: ClinVar variation 435637 (VCV000435637.16), dbSNP rs761179236, ClinGen allele CA2208795.

ClinVar aggregate classification (germline): Uncertain significance. Review status: criteria provided, multiple submitters, no conflicts (2 of 4 stars). 5 submissions from 5 submitters: Uncertain significance (4). 1 of the submissions does not count toward it. Last evaluated 2025-04-20.

Conditions:
KIF1A-related disorder. Also called: KIF1A-related disorders; KIF1A-related condition.
Inborn genetic diseases. Identifiers: MedGen C0950123, MeSH D030342.
Hereditary spastic paraplegia 30. Identifiers: Orphanet 101010, MedGen C5235139, MONDO:0012476.
Neuropathy, hereditary sensory, type 2C. Also called: Hereditary sensory and autonomic neuropathy type IIC; KIF1A-Related HSAN2 (HSAN2C). Identifiers: Orphanet 970, MedGen C3280168, MONDO:0013634, OMIM 614213.
Intellectual disability, autosomal dominant 9 (NESCAVS). Also called: KIF1A-Related Neurodevelopmental Disorder; NESCAV SYNDROME. Identifiers: Orphanet 662367, MedGen C5393830, MONDO:0013656, OMIM 614255.

Allele frequency attached by ClinVar (database versions not stated): TOPMed 0.00001; gnomAD exomes 0.00002; ExAC 0.00003.

Submissions (5):

Labcorp Genetics (formerly Invitae), Labcorp
Classification: Uncertain significance for Hereditary spastic paraplegia 30; Neuropathy, hereditary sensory, type 2C; Intellectual disability, autosomal dominant 9. Last evaluated: 2025-04-20. Review status: criteria provided, single submitter. Criteria: Invitae Variant Classification Sherloc (09022015). Collection method: clinical testing. Allele origin: germline.
Comment: This sequence change replaces aspartic acid, which is acidic and polar, with glutamic acid, which is acidic and polar, at codon 136 of the KIF1A protein (p.Asp136Glu). This variant is present in population databases (rs761179236, gnomAD 0.004%). This missense change has been observed in individual(s) with clinical features of hereditary spastic paraplegia (internal data). ClinVar contains an entry for this variant (Variation ID: 435637). Invitae Evidence Modeling of protein sequence and biophysical properties (such as structural, functional, and spatial information, amino acid conservation, physicochemical variation, residue mobility, and thermodynamic stability) indicates that this missense variant is expected to disrupt KIF1A protein function with a positive predictive value of 95%. In summary, the available evidence is currently insufficient to determine the role of this variant in disease. Therefore, it has been classified as a Variant of Uncertain Significance.

GeneDx
Classification: Uncertain significance. Last evaluated: 2024-10-04. Review status: criteria provided, single submitter. Criteria: GeneDx Variant Classification Process June 2021. Collection method: clinical testing. Allele origin: germline. Affected: yes.
Comment: In silico analysis indicates that this missense variant does not alter protein structure/function; Has not been previously published as pathogenic or benign to our knowledge; This variant is associated with the following publications: (PMID: 26125038, 21820098, 21376300)

Ambry Genetics
Classification: Uncertain significance for Inborn genetic diseases. Last evaluated: 2019-05-16. Review status: criteria provided, single submitter. Criteria: Ambry Variant Classification Scheme 2023. Collection method: clinical testing. Allele origin: germline.
Comment: The p.D136E variant (also known as c.408C>G), located in coding exon 4 of the KIF1A gene, results from a C to G substitution at nucleotide position 408. The aspartic acid at codon 136 is replaced by glutamic acid, an amino acid with highly similar properties. This amino acid position is not well conserved in available vertebrate species. In addition, this alteration is predicted to be tolerated by in silico analysis. Since supporting evidence is limited at this time, the clinical significance of this alteration remains unclear.

Genetic Services Laboratory, University of Chicago
Classification: Uncertain significance. Last evaluated: 2015-09-14. Review status: criteria provided, single submitter. Criteria: ACMG Guidelines, 2015. Collection method: clinical testing. Allele origin: germline. Affected: no.

PreventionGenetics, part of Exact Sciences
Classification: Uncertain significance for KIF1A-related condition. Last evaluated: 2024-09-17. Review status: no assertion criteria provided. Collection method: clinical testing. Allele origin: germline. Not counted in ClinVar's aggregate classification.
Comment: The KIF1A c.408C>G variant is predicted to result in the amino acid substitution p.Asp136Glu. To our knowledge, this variant has not been reported in the literature. This variant is reported in 0.0036% of alleles in individuals of European (non-Finnish) descent in gnomAD. At this time, the clinical significance of this variant is uncertain due to the absence of conclusive functional and genetic evidence.